The following is an entry in ClinVar:

NM_014727.3(KMT2B):c.2015G>A (p.Gly672Glu)

Gene: KMT2B (lysine methyltransferase 2B; plus strand). Cytogenetic location: 19q13.12.
Variant type: single nucleotide variant.
Coding change: c.2015G>A on transcript NM_014727.3 (MANE Select); coding-DNA position 2015, G replaced by A.
Protein change: p.Gly672Glu; replaces glycine 672 with glutamic acid.
Molecular consequence: missense variant.
Genome position (GRCh38, 1-based): chr19:35,721,362, G>A. VCF-style: chr19-35721362-G-A. GRCh37 (hg19) VCF-style: chr19-36212264-G-A.
Other names: short protein forms G672E.
Identifiers: ClinVar variation 4746106 (VCV004746106.1).

ClinVar aggregate classification (germline): Uncertain significance (1 of 4 stars; one submission).

Submission:

Labcorp Genetics (formerly Invitae), Labcorp
Classification: Uncertain significance. Last evaluated: 2026-01-19. Review status: criteria provided, single submitter. Criteria: Invitae Variant Classification Sherloc (09022015). Collection method: clinical testing. Allele origin: germline.
Comment: This sequence change replaces glycine, which is neutral and non-polar, with glutamic acid, which is acidic and polar, at codon 672 of the KMT2B protein (p.Gly672Glu). This variant is not present in population databases (gnomAD no frequency). This variant has not been reported in the literature in individuals affected with KMT2B-related conditions. Invitae Evidence Modeling of protein sequence and biophysical properties (such as structural, functional, and spatial information, amino acid conservation, physicochemical variation, residue mobility, and thermodynamic stability) indicates that this missense variant is not expected to disrupt KMT2B protein function with a negative predictive value of 95%. In summary, the available evidence is currently insufficient to determine the role of this variant in disease. Therefore, it has been classified as a Variant of Uncertain Significance.